The following is an entry in ClinVar:

NM_000179.3(MSH6):c.457+5G>A

Gene: MSH6 (mutS homolog 6; plus strand). Cytogenetic location: 2p16.3.
Variant type: single nucleotide variant.
Coding change: c.457+5G>A on transcript NM_000179.3 (MANE Select); 5 bases into the intron after coding-DNA position 457, G replaced by A.
Molecular consequence: intron variant. On other transcripts: synonymous variant (1).
Genome position (GRCh38, 1-based): chr2:47,791,128, G>A. VCF-style: chr2-47791128-G-A. GRCh37 (hg19) VCF-style: chr2-48018267-G-A.
Other names: c.462G>A, p.Lys154= (NM_001406813.1); c.457+5G>A (NM_001406809.1, NM_001406796.1, NM_001406808.1 and 5 more transcripts); c.-280+5G>A (NM_001406811.1, NM_001281493.2, NM_001406829.1 and 1 more transcripts); c.160+5G>A (NM_001406805.1, NM_001406797.1, NM_001406801.1 and 10 more transcripts); c.553+5G>A (NM_001406795.1, NM_001406802.1); c.-472+5G>A (NM_001406807.1); c.-538+5G>A (NM_001406814.1); c.-280+158G>A (NM_001406812.1); and 6 more.
Identifiers: ClinVar variation 3076151 (VCV003076151.1), dbSNP rs2020909, ClinGen allele CA46697407.
Genomic context (GRCh38, chr2:47,791,128, plus strand): 5'-TGATGACAGCCCAACAAGGGGCTGGGTTAGCAAAAGGCTTTTAAAGCCATATACAGGTAA[G>A]AGTCACTACTGCCATGTGTGTGTGTTTGTGTGTGTGTGTGTGTGTGTGAGAGAAACAGAC-3'

ClinVar aggregate classification (germline): Uncertain significance (1 of 4 stars; one submission).

Conditions:
Hereditary cancer-predisposing syndrome. Also called: Neoplastic Syndromes, Hereditary; Tumor predisposition; Hereditary neoplastic syndrome; Hereditary Cancer Syndrome. Identifiers: Orphanet 140162, MedGen C0027672, MeSH D009386, MONDO:0015356.

Submission:

Ambry Genetics
Classification: Uncertain significance for Hereditary cancer-predisposing syndrome. Last evaluated: 2018-01-04. Review status: criteria provided, single submitter. Criteria: Ambry Variant Classification Scheme 2023. Collection method: clinical testing. Allele origin: germline.
Comment: The c.457+5G>A intronic alteration consists of a G to A substitution nucleotides after coding exon 2 in the MSH6 gene. Based on insufficient or conflicting evidence, the clinical significance of this alteration remains unclear.